The following is an entry in ClinVar:

NM_000501.4(ELN):c.1553G>T (p.Gly518Val)

Genes: ELN (elastin; plus strand), ELN-AS1 (ELN antisense RNA 1; minus strand). Cytogenetic location: 7q11.23.
Variant type: single nucleotide variant.
Coding change: c.1553G>T on transcript NM_000501.4 (MANE Select); coding-DNA position 1553, G replaced by T.
Protein change: p.Gly518Val; replaces glycine 518 with valine.
Molecular consequence: missense variant. On other transcripts: non-coding transcript variant (1).
Genome position (GRCh38, 1-based): chr7:74,060,024, G>T. VCF-style: chr7-74060024-G-T. GRCh37 (hg19) VCF-style: chr7-73474354-G-T.
Other names: c.1466G>T, p.Gly489Val (NM_001081752.3); c.1511G>T, p.Gly504Val (NM_001081753.3); c.1568G>T, p.Gly523Val (NM_001081754.3); c.1496G>T, p.Gly499Val (NM_001081755.3); c.1553G>T, p.Gly518Val (NM_001278912.2); c.1310G>T, p.Gly437Val (NM_001278913.2); c.1481G>T, p.Gly494Val (NM_001278914.2); c.1571G>T, p.Gly524Val (NM_001278915.2); and 4 more; short protein forms G489V, G499V, G518V, G524V, G547V, G429V, G485V, G494V.
Identifiers: ClinVar variation 4738308 (VCV004738308.1).
Genomic context (GRCh38, chr7:74,060,024, plus strand): 5'-CTCCTGGAGTTGGCGTGGCTCCTGGAGTTGGTGTGGCTCCTGGCGTTGGCGTGGCTCCCG[G>T]CATTGGCCCTGGTGGAGTTGCAGGTGAGTTTCATGAGTCAATGAGCCTGAGGGGCCCCCG-3'
Protein context (NP_000492.2, residues 508-528): GVAPGVGVAP[Gly518Val]IGPGGVAAAA

ClinVar aggregate classification (germline): Uncertain significance (1 of 4 stars; one submission).

Conditions:
Supravalvar aortic stenosis (SVAS). Also called: Supravalvar aortic stenosis, Eisenberg type. Identifiers: Orphanet 3193, MedGen C0003499, MONDO:0008504, OMIM 185500, HP:0004381.

Submission:

Labcorp Genetics (formerly Invitae), Labcorp
Classification: Uncertain significance for Supravalvar aortic stenosis. Last evaluated: 2025-11-03. Review status: criteria provided, single submitter. Criteria: Invitae Variant Classification Sherloc (09022015). Collection method: clinical testing. Allele origin: germline.
Comment: This sequence change replaces glycine, which is neutral and non-polar, with valine, which is neutral and non-polar, at codon 547 of the ELN protein (p.Gly547Val). This variant is not present in population databases (gnomAD no frequency). This variant has not been reported in the literature in individuals affected with ELN-related conditions. Invitae Evidence Modeling of protein sequence and biophysical properties (such as structural, functional, and spatial information, amino acid conservation, physicochemical variation, residue mobility, and thermodynamic stability) indicates that this missense variant is not expected to disrupt ELN protein function with a negative predictive value of 80%. In summary, the available evidence is currently insufficient to determine the role of this variant in disease. Therefore, it has been classified as a Variant of Uncertain Significance.